The following is an entry in ClinVar:

NM_001378120.1(MBD5):c.1849C>T (p.His617Tyr)

Gene: MBD5 (methyl-CpG binding domain protein 5; plus strand). Cytogenetic location: 2q23.1.
Variant type: single nucleotide variant.
Coding change: c.1849C>T on transcript NM_001378120.1 (MANE Select); coding-DNA position 1849, C replaced by T.
Protein change: p.His617Tyr; replaces histidine 617 with tyrosine.
Molecular consequence: missense variant.
Genome position (GRCh38, 1-based): chr2:148,469,792, C>T. VCF-style: chr2-148469792-C-T. GRCh37 (hg19) VCF-style: chr2-149227361-C-T.
Other names: c.1849C>T (NM_018328.4); c.1849C>T, p.His617Tyr (NM_018328.5); short protein forms H617Y.
Identifiers: ClinVar variation 1522138 (VCV001522138.9), dbSNP rs367876435, ClinGen allele CA1900067.

ClinVar aggregate classification (germline): Uncertain significance. Review status: criteria provided, multiple submitters, no conflicts (2 of 4 stars). 2 submissions from 2 submitters: Uncertain significance (2). Last evaluated 2023-03-11.

Conditions:
Intellectual developmental disorder, autosomal dominant 1. Also called: Intellectual disability, autosomal dominant 1; MBD5 Haploinsufficiency. Identifiers: Orphanet 228402, MedGen C1969562, MONDO:0007974, OMIM 156200.

Allele frequency attached by ClinVar (database versions not stated): ESP Exome Variant Server 0.00008; gnomAD 0.00002 and 0.00003; gnomAD exomes below 0.00001; ExAC 0.00002; TOPMed 0.00004.
gnomAD v4.1: 4 of 1,613,852 alleles (0.00025%); highest among the groups gnomAD compares: African/African-American, 0.0053%; no homozygotes.

Submissions (2):

GeneDx
Classification: Uncertain significance. Last evaluated: 2023-03-11. Review status: criteria provided, single submitter. Criteria: GeneDx Variant Classification Process June 2021. Collection method: clinical testing. Allele origin: germline. Affected: yes.
Comment: In silico analysis supports that this missense variant does not alter protein structure/function; Has not been previously published as pathogenic or benign to our knowledge

Labcorp Genetics (formerly Invitae), Labcorp
Classification: Uncertain significance for Intellectual developmental disorder, autosomal dominant 1. Last evaluated: 2022-08-09. Review status: criteria provided, single submitter. Criteria: Invitae Variant Classification Sherloc (09022015). Collection method: clinical testing. Allele origin: germline.
Comment: This sequence change replaces histidine, which is basic and polar, with tyrosine, which is neutral and polar, at codon 617 of the MBD5 protein (p.His617Tyr). This variant is present in population databases (rs367876435, gnomAD 0.007%). This variant has not been reported in the literature in individuals affected with MBD5-related conditions. ClinVar contains an entry for this variant (Variation ID: 1522138). Algorithms developed to predict the effect of missense changes on protein structure and function are either unavailable or do not agree on the potential impact of this missense change (SIFT: "Deleterious"; PolyPhen-2: "Benign"; Align-GVGD: "Class C65"). In summary, the available evidence is currently insufficient to determine the role of this variant in disease. Therefore, it has been classified as a Variant of Uncertain Significance.